The following is an entry in ClinVar:

ClinVar aggregate classification (germline): Benign. Review status: criteria provided, multiple submitters, no conflicts (2 of 4 stars). 6 submissions from 5 submitters: Benign (6). Last evaluated 2026-02-04.

Conditions:
Chondrocalcinosis 2. Also called: CALCIUM GOUT; CALCIUM PYROPHOSPHATE ARTHROPATHY; Familial calcium pyrophosphate deposition. Identifiers: Orphanet 1416, MedGen C0856830, MONDO:0007319, OMIM 118600.
Craniometaphyseal dysplasia, autosomal dominant (CMDD). Identifiers: Orphanet 1522, MedGen C1852502, MONDO:0007397, OMIM 123000.

Allele frequency attached by ClinVar (database versions not stated): 1000 Genomes Project 0.14716; 1000 Genomes Project 30x 0.15022; TOPMed 0.20020; gnomAD 0.20625; ESP Exome Variant Server 0.21713.
gnomAD v4.1: 284,308 of 1,599,500 alleles (18%); highest among the groups gnomAD compares: African/African-American, 27%; 27,706 homozygotes.

Submissions (6):

Labcorp Genetics (formerly Invitae), Labcorp
Classification: Benign. Last evaluated: 2026-02-04. Review status: criteria provided, single submitter. Criteria: Invitae Variant Classification Sherloc (09022015). Collection method: clinical testing. Allele origin: germline.

Genome-Nilou Lab
Classification: Benign for Craniometaphyseal dysplasia, autosomal dominant. Last evaluated: 2021-12-05. Review status: criteria provided, single submitter. Criteria: ACMG Guidelines, 2015. Collection method: clinical testing. Allele origin: germline. Affected: no.

GeneDx
Classification: Benign. Last evaluated: 2018-12-06. Review status: criteria provided, single submitter. Criteria: GeneDx Variant Classification Process June 2021. Collection method: clinical testing. Allele origin: germline. Affected: yes.

Illumina Laboratory Services, Illumina
Classification: Benign for Craniometaphyseal dysplasia, autosomal dominant. Last evaluated: 2018-01-13. Review status: criteria provided, single submitter. Criteria: ICSL Variant Classification Criteria 13 December 2019. Collection method: clinical testing. Allele origin: germline.
Comment: This variant was observed in the ICSL laboratory as part of a predisposition screen in an ostensibly healthy population. It had not been previously curated by ICSL or reported in the Human Gene Mutation Database (HGMD: prior to June 1st, 2018), and was therefore a candidate for classification through an automated scoring system. Utilizing variant allele frequency, disease prevalence and penetrance estimates, and inheritance mode, an automated score was calculated to assess if this variant is too frequent to cause the disease. Based on the score and internal cut-off values, a variant classified as benign is not then subjected to further curation. The score for this variant resulted in a classification of benign for this disease.

Illumina Laboratory Services, Illumina
Classification: Benign for Chondrocalcinosis 2. Last evaluated: 2018-01-13. Review status: criteria provided, single submitter. Criteria: ICSL Variant Classification Criteria 13 December 2019. Collection method: clinical testing. Allele origin: germline.
Comment: the same text as in the submission from Illumina Laboratory Services, Illumina above.

Breakthrough Genomics
Classification: Benign. Review status: criteria provided, single submitter. Criteria: ACMG Guidelines, 2015. Collection method: not provided. Allele origin: germline. Inheritance: Autosomal dominant inheritance. Affected: yes.

NM_054027.6(ANKH):c.1011+15T>G

Gene: ANKH (ANKH inorganic pyrophosphate transport regulator; minus strand). Cytogenetic location: 5p15.2.
Variant type: single nucleotide variant.
Coding change: c.1011+15T>G on transcript NM_054027.6 (MANE Select); 15 bases into the intron after coding-DNA position 1011, T replaced by G.
Molecular consequence: intron variant.
Genome position (GRCh38, 1-based): chr5:14,741,812, A>C on the plus strand (T>G on the coding strand, the complement: ANKH is on the minus strand). VCF-style: chr5-14741812-A-C. GRCh37 (hg19) VCF-style: chr5-14741921-A-C.
Identifiers: ClinVar variation 351511 (VCV000351511.15), dbSNP rs187483, ClinGen allele CA3208954.